The following is an entry in ClinVar:

ClinVar aggregate classification (germline): Uncertain significance (1 of 4 stars; one submission).

Conditions:
Neuroblastoma, susceptibility to, 3. Also called: ALK-Related Neuroblastic Tumor Susceptibility. Identifiers: Orphanet 635, MedGen C2751681, MONDO:0013083, OMIM 613014.

Allele frequency attached by ClinVar (database versions not stated): gnomAD exomes below 0.00001; TOPMed below 0.00001.
gnomAD v4.1: 1 of 1,600,356 alleles (0.000062%); highest among the groups gnomAD compares: Non-Finnish European, 0.000085%; no homozygotes.

Submission:

Labcorp Genetics (formerly Invitae), Labcorp
Classification: Uncertain significance for Neuroblastoma, susceptibility to, 3. Last evaluated: 2022-07-19. Review status: criteria provided, single submitter. Criteria: Invitae Variant Classification Sherloc (09022015). Collection method: clinical testing. Allele origin: germline.
Comment: This sequence change replaces histidine, which is basic and polar, with tyrosine, which is neutral and polar, at codon 1030 of the ALK protein (p.His1030Tyr). This variant is not present in population databases (gnomAD no frequency). In summary, the available evidence is currently insufficient to determine the role of this variant in disease. Therefore, it has been classified as a Variant of Uncertain Significance. Algorithms developed to predict the effect of missense changes on protein structure and function are either unavailable or do not agree on the potential impact of this missense change (SIFT: "Deleterious"; PolyPhen-2: "Benign"; Align-GVGD: "Class C65"). ClinVar contains an entry for this variant (Variation ID: 1047211). This variant has not been reported in the literature in individuals affected with ALK-related conditions.

NM_004304.5(ALK):c.3088C>T (p.His1030Tyr)

Gene: ALK (ALK receptor tyrosine kinase; minus strand). Cytogenetic location: 2p23.2.
Variant type: single nucleotide variant.
Coding change: c.3088C>T on transcript NM_004304.5 (MANE Select); coding-DNA position 3088, C replaced by T.
Protein change: p.His1030Tyr; replaces histidine 1030 with tyrosine.
Molecular consequence: missense variant.
Genome position (GRCh38, 1-based): chr2:29,225,545, G>A on the plus strand (C>T on the coding strand, the complement: ALK is on the minus strand). VCF-style: chr2-29225545-G-A. GRCh37 (hg19) VCF-style: chr2-29448411-G-A.
Other names: short protein forms H1030Y.
Identifiers: ClinVar variation 1047211 (VCV001047211.8), dbSNP rs1284585137, ClinGen allele CA346467029.